The following is an entry in ClinVar:

NM_144508.5(KNL1):c.6131C>T (p.Pro2044Leu)

Gene: KNL1 (kinetochore scaffold 1; plus strand). Cytogenetic location: 15q15.1.
Variant type: single nucleotide variant.
Coding change: c.6131C>T on transcript NM_144508.5 (MANE Select); coding-DNA position 6131, C replaced by T.
Protein change: p.Pro2044Leu; replaces proline 2044 with leucine.
Molecular consequence: missense variant.
Genome position (GRCh38, 1-based): chr15:40,650,337, C>T. VCF-style: chr15-40650337-C-T. GRCh37 (hg19) VCF-style: chr15-40942535-C-T.
Other names: c.6209C>T, p.Pro2070Leu (NM_170589.5); short protein forms P2044L, P2070L.
Identifiers: ClinVar variation 732669 (VCV000732669.13), dbSNP rs116439389, ClinGen allele CA7483602.
Genomic context (GRCh38, chr15:40,650,337, plus strand): 5'-TCTAACAAATACTGTCTACTTTAGAAACTAAGAATTTGGAGGATGAAGAGAAAAACAATC[C>T]TGTGGAAGAATGGGATTCTGAAATGAGAGCTGCAGAAAAAGGTAATTGAATTAGTTAAGG-3'
Protein context (NP_653091.3, residues 2034-2054): KNLEDEEKNN[Pro2044Leu]VEEWDSEMRA

ClinVar aggregate classification (germline): Benign/Likely benign. Review status: criteria provided, multiple submitters, no conflicts (2 of 4 stars). 4 submissions from 4 submitters: Benign (1); Likely benign (2). 1 of the submissions does not count toward it. Last evaluated 2022-08-22.

Conditions:
Microcephaly 4, primary, autosomal recessive. Identifiers: Orphanet 2512, MedGen C1858516, MONDO:0011437, OMIM 604321.
KNL1-related disorder. Also called: KNL1-related condition.

Allele frequency attached by ClinVar (database versions not stated): gnomAD exomes 0.00033 and 0.00079; ExAC 0.00100; ESP Exome Variant Server 0.00238; gnomAD 0.00315 and 0.00341; 1000 Genomes Project 0.00339; TOPMed 0.00347; 1000 Genomes Project 30x 0.00406.
gnomAD v4.1: 978 of 1,612,416 alleles (0.061%); highest among the groups gnomAD compares: African/African-American, 1.2%; 8 homozygotes.

Submissions (4):

GeneDx
Classification: Likely benign. Last evaluated: 2022-08-22. Review status: criteria provided, single submitter. Criteria: GeneDx Variant Classification Process June 2021. Collection method: clinical testing. Allele origin: germline. Affected: yes.
Comment: See Variant Classification Assertion Criteria.

Labcorp Genetics (formerly Invitae), Labcorp
Classification: Benign. Last evaluated: 2019-12-31. Review status: criteria provided, single submitter. Criteria: Invitae Variant Classification Sherloc (09022015). Collection method: clinical testing. Allele origin: germline.

Illumina Laboratory Services, Illumina
Classification: Likely benign for Microcephaly 4, primary, autosomal recessive. Last evaluated: 2018-01-13. Review status: criteria provided, single submitter. Criteria: ICSL Variant Classification Criteria 13 December 2019. Collection method: clinical testing. Allele origin: germline.
Comment: This variant was observed in the ICSL laboratory as part of a predisposition screen in an ostensibly healthy population. It had not been previously curated by ICSL or reported in the Human Gene Mutation Database (HGMD: prior to June 1st, 2018), and was therefore a candidate for classification through an automated scoring system. Utilizing variant allele frequency, disease prevalence and penetrance estimates, and inheritance mode, an automated score was calculated to assess if this variant is too frequent to cause the disease. Based on the score and internal cut-off values, a variant classified as likely benign is not then subjected to further curation. The score for this variant resulted in a classification of likely benign for this disease.

PreventionGenetics, part of Exact Sciences
Classification: Benign for KNL1-related condition. Last evaluated: 2019-04-02. Review status: no assertion criteria provided. Collection method: clinical testing. Allele origin: germline. Not counted in ClinVar's aggregate classification.
Comment: This variant is classified as benign based on ACMG/AMP sequence variant interpretation guidelines (Richards et al. 2015 PMID: 25741868, with internal and published modifications).